The following is an entry in ClinVar:

ClinVar aggregate classification (germline): Likely benign (0 of 4 stars; one submission).

Conditions:
PLCD1-related disorder. Also called: PLCD1-related condition.

Allele frequency attached by ClinVar (database versions not stated): ExAC 0.00001; gnomAD exomes 0.00001; TOPMed 0.00002; gnomAD 0.00003; ESP Exome Variant Server 0.00008; 1000 Genomes Project 30x 0.00031; 1000 Genomes Project 0.00040.
gnomAD v4.1: 26 of 1,614,112 alleles (0.0016%); highest among the groups gnomAD compares: African/African-American, 0.025%; no homozygotes.

Submission:

PreventionGenetics, part of Exact Sciences
Classification: Likely benign for PLCD1-related condition. Last evaluated: 2020-10-06. Review status: no assertion criteria provided. Collection method: clinical testing. Allele origin: germline.
Comment: This variant is classified as likely benign based on ACMG/AMP sequence variant interpretation guidelines (Richards et al. 2015 PMID: 25741868, with internal and published modifications).

NM_006225.4(PLCD1):c.429-5C>T

Gene: PLCD1 (phospholipase C delta 1; minus strand). Cytogenetic location: 3p22.2.
Variant type: single nucleotide variant.
Coding change: c.429-5C>T on transcript NM_006225.4 (MANE Select); 5 bases into the intron before coding-DNA position 429, C replaced by T.
Molecular consequence: intron variant.
Genome position (GRCh38, 1-based): chr3:38,011,678, G>A on the plus strand (C>T on the coding strand, the complement: PLCD1 is on the minus strand). VCF-style: chr3-38011678-G-A. GRCh37 (hg19) VCF-style: chr3-38053169-G-A.
Other names: c.492-5C>T (NM_001130964.2).
Identifiers: ClinVar variation 3032889 (VCV003032889.2), dbSNP rs189847852, ClinGen allele CA2313394.